The following is an entry in ClinVar:

NM_013352.4(DSE):c.2661A>G (p.Thr887=)

Gene: DSE (dermatan sulfate epimerase; plus strand). Cytogenetic location: 6q22.1.
Variant type: single nucleotide variant.
Coding change: c.2661A>G on transcript NM_013352.4 (MANE Select); coding-DNA position 2661, A replaced by G.
Protein change: p.Thr887=; no amino-acid change (threonine 887 retained).
Molecular consequence: synonymous variant. On other transcripts: 3 prime UTR variant (2), non-coding transcript variant (1).
Genome position (GRCh38, 1-based): chr6:116,437,129, A>G. VCF-style: chr6-116437129-A-G. GRCh37 (hg19) VCF-style: chr6-116758292-A-G.
Other names: c.2661A>G, p.Thr887= (NM_001080976.3, NM_001322937.2, NM_001322938.2); c.2718A>G, p.Thr906= (NM_001322939.2); c.2100A>G, p.Thr700= (NM_001322940.2, NM_001322941.2); c.*1526A>G (NM_001322943.2, NM_001322944.2); c.1662A>G, p.Thr554= (NM_001374520.1); c.1626A>G, p.Thr542= (NM_001374521.1).
Identifiers: ClinVar variation 390749 (VCV000390749.5), dbSNP rs762839207, ClinGen allele CA3969853.

ClinVar aggregate classification (germline): Likely benign. Review status: criteria provided, multiple submitters, no conflicts (2 of 4 stars). 2 submissions from 2 submitters: Likely benign (2). Last evaluated 2025-07-03.

Conditions:
Ehlers-Danlos syndrome, musculocontractural type 2 (EDSMC2). Identifiers: Orphanet 2953, MedGen C3809845, MONDO:0014236, OMIM 615539.

Allele frequency attached by ClinVar (database versions not stated): gnomAD exomes 0.00001 and 0.00002; ExAC 0.00002; TOPMed 0.00002.
gnomAD v4.1: 10 of 1,614,150 alleles (0.00062%); highest among the groups gnomAD compares: African/African-American, 0.0027%; no homozygotes.

Submissions (2):

Labcorp Genetics (formerly Invitae), Labcorp
Classification: Likely benign for Ehlers-Danlos syndrome, musculocontractural type 2. Last evaluated: 2025-07-03. Review status: criteria provided, single submitter. Criteria: Invitae Variant Classification Sherloc (09022015). Collection method: clinical testing. Allele origin: germline.

GeneDx
Classification: Likely benign. Last evaluated: 2017-10-09. Review status: criteria provided, single submitter. Criteria: GeneDx Variant Classification (06012015). Collection method: clinical testing. Allele origin: germline. Affected: yes.
Comment: This variant is considered likely benign or benign based on one or more of the following criteria: it is a conservative change, it occurs at a poorly conserved position in the protein, it is predicted to be benign by multiple in silico algorithms, and/or has population frequency not consistent with disease.